The following is an entry in ClinVar:

ClinVar aggregate classification (germline): Uncertain significance. Review status: criteria provided, multiple submitters, no conflicts (2 of 4 stars). 2 submissions from 2 submitters: Uncertain significance (2). Last evaluated 2022-10-01.

Allele frequency attached by ClinVar (database versions not stated): gnomAD exomes below 0.00001.
gnomAD v4.1: 4 of 1,607,756 alleles (0.00025%); highest among the groups gnomAD compares: Non-Finnish European, 0.00034%; no homozygotes.

Submissions (2):

CeGaT Center for Human Genetics Tuebingen
Classification: Uncertain significance. Last evaluated: 2022-10-01. Review status: criteria provided, single submitter. Criteria: CeGaT Center For Human Genetics Tuebingen Variant Classification Criteria Version 2. Collection method: clinical testing. Allele origin: germline. Affected: yes. Observed: 1 variant allele.
Comment: GFAP: PM2

GeneDx
Classification: Uncertain significance. Last evaluated: 2019-07-16. Review status: criteria provided, single submitter. Criteria: GeneDx Variant Classification Process June 2021. Collection method: clinical testing. Allele origin: germline. Affected: yes.
Comment: Not observed in large population cohorts (Lek et al., 2016); In silico analysis, which includes protein predictors and evolutionary conservation, supports a deleterious effect; Has not been previously published as pathogenic or benign to our knowledge

NM_002055.5(GFAP):c.917T>C (p.Leu306Pro)

Gene: GFAP (glial fibrillary acidic protein; minus strand). Cytogenetic location: 17q21.31.
Variant type: single nucleotide variant.
Coding change: c.917T>C on transcript NM_002055.5 (MANE Select); coding-DNA position 917, T replaced by C.
Protein change: p.Leu306Pro; replaces leucine 306 with proline.
Molecular consequence: missense variant.
Genome position (GRCh38, 1-based): chr17:44,911,446, A>G on the plus strand (T>C on the coding strand, the complement: GFAP is on the minus strand). VCF-style: chr17-44911446-A-G. GRCh37 (hg19) VCF-style: chr17-42988814-A-G.
Other names: c.917T>C, p.Leu306Pro (NM_001131019.3, NM_001242376.3, NM_001363846.2); short protein forms L306P.
Identifiers: ClinVar variation 1302334 (VCV001302334.31), dbSNP rs2145633326, ClinGen allele CA399844454.